The following is an entry in ClinVar:

ClinVar aggregate classification (germline): Uncertain significance. Review status: criteria provided, multiple submitters, no conflicts (2 of 4 stars). 2 submissions from 2 submitters: Uncertain significance (2). Last evaluated 2025-02-20.

Conditions:
Chuvash polycythemia. Also called: POLYCYTHEMIA, VHL-DEPENDENT. Identifiers: Orphanet 238557, MedGen C1837915, MONDO:0009892, OMIM 263400.
Von Hippel-Lindau syndrome (VHLS). Also called: Von Hippel-Lindau; von Hippel–Lindau syndrome; VHL syndrome. Identifiers: Orphanet 892, MedGen C0019562, MONDO:0008667, OMIM 193300. Disease mechanism: loss of function.
Hereditary cancer-predisposing syndrome. Also called: Hereditary neoplastic syndrome; Neoplastic Syndromes, Hereditary; Tumor predisposition; Hereditary Cancer Syndrome. Identifiers: Orphanet 140162, MedGen C0027672, MeSH D009386, MONDO:0015356.

Submissions (2):

Ambry Genetics
Classification: Uncertain significance for Hereditary cancer-predisposing syndrome. Last evaluated: 2025-02-20. Review status: criteria provided, single submitter. Criteria: Ambry Variant Classification Scheme 2023. Collection method: clinical testing. Allele origin: germline.
Comment: The p.A122T variant (also known as c.364G>A), located in coding exon 2 of the VHL gene, results from a G to A substitution at nucleotide position 364. The alanine at codon 122 is replaced by threonine, an amino acid with similar properties. This amino acid position is highly conserved in available vertebrate species. In addition, this alteration is predicted to be deleterious by in silico analysis. Based on the available evidence, the clinical significance of this variant remains unclear.

Labcorp Genetics (formerly Invitae), Labcorp
Classification: Uncertain significance for Von Hippel-Lindau syndrome; Chuvash polycythemia. Last evaluated: 2023-02-22. Review status: criteria provided, single submitter. Criteria: Invitae Variant Classification Sherloc (09022015). Collection method: clinical testing. Allele origin: germline.
Comment: In summary, the available evidence is currently insufficient to determine the role of this variant in disease. Therefore, it has been classified as a Variant of Uncertain Significance. Advanced modeling of protein sequence and biophysical properties (such as structural, functional, and spatial information, amino acid conservation, physicochemical variation, residue mobility, and thermodynamic stability) performed at Invitae indicates that this missense variant is expected to disrupt VHL protein function. ClinVar contains an entry for this variant (Variation ID: 480791). This variant has not been reported in the literature in individuals affected with VHL-related conditions. This variant is not present in population databases (gnomAD no frequency). This sequence change replaces alanine, which is neutral and non-polar, with threonine, which is neutral and polar, at codon 122 of the VHL protein (p.Ala122Thr).

NM_000551.4(VHL):c.364G>A (p.Ala122Thr)

Genes: VHL (von Hippel-Lindau tumor suppressor; plus strand), LOC107303340 (3p25 von Hippel-Lindau tumor suppressor, E3 ubiquitin protein ligase Alu-mediated recombination region; plus strand). Cytogenetic location: 3p25.3.
Variant type: single nucleotide variant.
Coding change: c.364G>A on transcript NM_000551.4 (MANE Select); coding-DNA position 364, G replaced by A.
Protein change: p.Ala122Thr; replaces alanine 122 with threonine.
Molecular consequence: missense variant. On other transcripts: intron variant (2).
Genome position (GRCh38, 1-based): chr3:10,146,537, G>A. VCF-style: chr3-10146537-G-A. GRCh37 (hg19) VCF-style: chr3-10188221-G-A.
Other names: c.*18-3250G>A (NM_001354723.2); c.341-3250G>A (NM_198156.3); short protein forms A122T.
Identifiers: ClinVar variation 480791 (VCV000480791.14), dbSNP rs1064793291, ClinGen allele CA351753762.